The following is an entry in ClinVar:

NM_003565.4(ULK1):c.2618G>T (p.Gly873Val)

Gene: ULK1 (unc-51 like autophagy activating kinase 1; plus strand). Cytogenetic location: 12q24.33.
Variant type: single nucleotide variant.
Coding change: c.2618G>T on transcript NM_003565.4 (MANE Select); coding-DNA position 2618, G replaced by T.
Protein change: p.Gly873Val; replaces glycine 873 with valine.
Molecular consequence: missense variant.
Genome position (GRCh38, 1-based): chr12:131,919,318, G>T. VCF-style: chr12-131919318-G-T. GRCh37 (hg19) VCF-style: chr12-132403863-G-T.
Other names: short protein forms G873V.
Identifiers: ClinVar variation 4988747 (VCV004988747.1).

ClinVar aggregate classification (germline): Uncertain significance (1 of 4 stars; one submission).

Conditions:
ULK1-related disorder. Also called: ULK1-related condition.

gnomAD v4.1: 7 of 1,567,114 alleles (0.00045%); highest among the groups gnomAD compares: African/African-American, 0.0027%; no homozygotes.

Submission:

PreventionGenetics, part of Exact Sciences
Classification: Uncertain significance for ULK1-related condition. Last evaluated: 2024-12-14. Review status: criteria provided, single submitter. Criteria: ACMG Guidelines, 2015. Collection method: clinical testing. Allele origin: germline.
Comment: The ULK1 c.2618G>T variant is predicted to result in the amino acid substitution p.Gly873Val. To our knowledge, this variant has not been reported in the literature or in a large population database (gnomAD), indicating this variant is rare. At this time, the clinical significance of this variant is uncertain due to the absence of conclusive functional and genetic evidence.